The following is an entry in ClinVar:

ClinVar aggregate classification (germline): Uncertain significance (1 of 4 stars; one submission).

Submission:

Labcorp Genetics (formerly Invitae), Labcorp
Classification: Uncertain significance. Last evaluated: 2025-10-13. Review status: criteria provided, single submitter. Criteria: Invitae Variant Classification Sherloc (09022015). Collection method: clinical testing. Allele origin: germline.
Comment: This sequence change replaces serine, which is neutral and polar, with asparagine, which is neutral and polar, at codon 1493 of the ALPK3 protein (p.Ser1493Asn). This variant is not present in population databases (gnomAD no frequency). This variant has not been reported in the literature in individuals affected with ALPK3-related conditions. Invitae Evidence Modeling of protein sequence and biophysical properties (such as structural, functional, and spatial information, amino acid conservation, physicochemical variation, residue mobility, and thermodynamic stability) indicates that this missense variant is not expected to disrupt ALPK3 protein function with a negative predictive value of 80%. In summary, the available evidence is currently insufficient to determine the role of this variant in disease. Therefore, it has been classified as a Variant of Uncertain Significance.

NM_020778.5(ALPK3):c.3872G>A (p.Ser1291Asn)

Gene: ALPK3 (alpha kinase 3; plus strand). Cytogenetic location: 15q25.3.
Variant type: single nucleotide variant.
Coding change: c.3872G>A on transcript NM_020778.5 (MANE Select); coding-DNA position 3872, G replaced by A.
Protein change: p.Ser1291Asn; replaces serine 1291 with asparagine.
Molecular consequence: missense variant.
Genome position (GRCh38, 1-based): chr15:84,859,297, G>A. VCF-style: chr15-84859297-G-A. GRCh37 (hg19) VCF-style: chr15-85402528-G-A.
Other names: short protein forms S1291N.
Identifiers: ClinVar variation 4806168 (VCV004806168.1).
Genomic context (GRCh38, chr15:84,859,297, plus strand): 5'-TCTCAGCCCCACAGGTGATCCGGAAGATTCGGGTGGAGCAGTTTCCTGATGCCTCCGGTA[G>A]CCTGAAGCTGTGGTGCCAGTTTTTCAACATTCTTAGTGACTCAGTCTTGACATGGGCCAA-3'
Protein context (NP_065829.4, residues 1281-1301): RVEQFPDASG[Ser1291Asn]LKLWCQFFNI